The following is an entry in ClinVar:

NM_000135.4(FANCA):c.1004A>T (p.Lys335Ile)

Gene: FANCA (FA complementation group A; minus strand). Cytogenetic location: 16q24.3.
Variant type: single nucleotide variant.
Coding change: c.1004A>T on transcript NM_000135.4 (MANE Select); coding-DNA position 1004, A replaced by T.
Protein change: p.Lys335Ile; replaces lysine 335 with isoleucine.
Molecular consequence: missense variant.
Genome position (GRCh38, 1-based): chr16:89,795,908, T>A on the plus strand (A>T on the coding strand, the complement: FANCA is on the minus strand). VCF-style: chr16-89795908-T-A. GRCh37 (hg19) VCF-style: chr16-89862316-T-A.
Other names: c.1004A>T, p.Lys335Ile (NM_001286167.3); short protein forms K335I.
Identifiers: ClinVar variation 3848134 (VCV003848134.1).
Genomic context (GRCh38, chr16:89,795,908, plus strand): 5'-AAGGCAACAGCAATCCCCAAAATGGGTAGCAACTGAGCAGCCTCCACACTGGGCCTACCT[T>A]TCAGCACAGGGCTGTGAGTGAGTATCTGAGTCAGGGTATGACTGAAGAACCTCTTCAGAG-3'
Protein context (NP_000126.2, residues 325-345): TQILTHSPVL[Lys335Ile]ASDAVQMQRE

ClinVar aggregate classification (germline): Uncertain significance (1 of 4 stars; one submission).

Conditions:
Inborn genetic diseases. Identifiers: MedGen C0950123, MeSH D030342.

Submission:

Ambry Genetics
Classification: Uncertain significance for Inborn genetic diseases. Last evaluated: 2025-01-21. Review status: criteria provided, single submitter. Criteria: Ambry Variant Classification Scheme 2023. Collection method: clinical testing. Allele origin: germline.
Comment: The p.K335I variant (also known as c.1004A>T), located in coding exon 11 of the FANCA gene, results from an A to T substitution at nucleotide position 1004. The lysine at codon 335 is replaced by isoleucine, an amino acid with dissimilar properties. This amino acid position is conserved. In addition, this alteration is predicted to be tolerated by in silico analysis. Based on the available evidence, the clinical significance of this variant remains unclear.